The following is an entry in ClinVar:

ClinVar aggregate classification (germline): Likely pathogenic (1 of 4 stars; one submission).

Submission:

GeneDx
Classification: Likely pathogenic. Last evaluated: 2017-06-29. Review status: criteria provided, single submitter. Criteria: GeneDx Variant Classification (06012015). Collection method: clinical testing. Allele origin: germline. Affected: yes.
Comment: The c.1119_1122+16del20ins10 variant in the COL2A1 gene has not been reported previously as a pathogenic variant nor as a benign variant, to our knowledge. This variant results in the deletion of 20 nucleotides and the insertion of 10 nucleotides at the exon 18/intron 18 boundary, which destroys the canonical splice donor site in intron 18 and is predicted to disrupt the triple-helical region through exon skipping. However, in the absence of RNA/functional studies, the actual effect of c.1119_1122+16del20ins10 in this individual is unknown. The c.1119_1122+16del20ins10 variant is not observed in large population cohorts (Lek et al., 2016; 1000 Genomes Consortium et al., 2015; Exome Variant Server). We interpret c.1119_1122+16del20ins10 as a pathogenic variant.

NM_001844.5(COL2A1):c.1119_1122+16delinsACCCTGTTGC

Gene: COL2A1 (collagen type II alpha 1 chain; minus strand). Cytogenetic location: 12q13.11.
Variant type: Indel.
Coding change: c.1119_1122+16delinsACCCTGTTGC on transcript NM_001844.5 (MANE Select); coding-DNA position 1119 through 16 bases into the intron after coding-DNA position 1122, CAAGGTACGTGCCCTGTTGT replaced by ACCCTGTTGC.
Molecular consequence: splice donor variant.
Genome position (GRCh38, 1-based): chr12:47,989,212-47,989,231, ACAACAGGGCACGTACCTTG replaced by GCAACAGGGT on the plus strand (CAAGGTACGTGCCCTGTTGT replaced by ACCCTGTTGC on the coding strand, the reverse complement: COL2A1 is on the minus strand). VCF-style: chr12-47989212-ACAACAGGGCACGTACCTTG-GCAACAGGGT. GRCh37 (hg19) VCF-style: chr12-48382995-ACAACAGGGCACGTACCTTG-GCAACAGGGT.
Other names: c.912_915+16delinsACCCTGTTGC (NM_033150.3).
Identifiers: ClinVar variation 450179 (VCV000450179.1), dbSNP rs1555167770, ClinGen allele CA658658141.
Genomic context (GRCh38, chr12:47,989,212, plus strand): 5'-GCAATGAGCAAGGGTTACGGGGAAAGGACAGCTTCTCGGCACCCAGAAGTTCCTGACTGG[ACAACAGGGCACGTACCTTG>GCAACAGGGT]GCTCCAGGAGCACCAGGGAAGCCAGGACCACCAGCAGGACCGACAGGACCCTGGAGAGAG-3'